The following is an entry in ClinVar:

NM_022041.4(GAN):c.858G>A (p.Arg286=)

Gene: GAN (gigaxonin; plus strand). Cytogenetic location: 16q23.2.
Variant type: single nucleotide variant.
Coding change: c.858G>A on transcript NM_022041.4 (MANE Select); coding-DNA position 858, G replaced by A.
Protein change: p.Arg286=; no amino-acid change (arginine 286 retained).
Molecular consequence: synonymous variant.
Genome position (GRCh38, 1-based): chr16:81,357,816, G>A. VCF-style: chr16-81357816-G-A. GRCh37 (hg19) VCF-style: chr16-81391421-G-A.
Other names: c.219G>A, p.Arg73= (NM_001377486.1).
Identifiers: ClinVar variation 3776651 (VCV003776651.1).

ClinVar aggregate classification (germline): Uncertain significance (1 of 4 stars; one submission).

gnomAD v4.1: 1 of 1,613,524 alleles (0.000062%); highest among the groups gnomAD compares: African/African-American, 0.0013%; no homozygotes.

Submission:

GeneDx
Classification: Uncertain significance. Last evaluated: 2024-10-03. Review status: criteria provided, single submitter. Criteria: GeneDx Variant Classification Process June 2021. Collection method: clinical testing. Allele origin: germline. Affected: yes.
Comment: Not observed at significant frequency in large population cohorts (gnomAD); In silico analysis indicates that this variant does not alter splicing; Has not been previously published as pathogenic or benign to our knowledge